The following is an entry in ClinVar:

NM_001364171.2(ODAD1):c.854-7C>T

Gene: ODAD1 (outer dynein arm docking complex subunit 1; minus strand). Cytogenetic location: 19q13.33.
Variant type: single nucleotide variant.
Coding change: c.854-7C>T on transcript NM_001364171.2 (MANE Select); 7 bases into the intron before coding-DNA position 854, C replaced by T.
Molecular consequence: intron variant.
Genome position (GRCh38, 1-based): chr19:48,303,791, G>A on the plus strand (C>T on the coding strand, the complement: ODAD1 is on the minus strand). VCF-style: chr19-48303791-G-A. GRCh37 (hg19) VCF-style: chr19-48807048-G-A.
Other names: c.743-7C>T (NM_144577.4).
Identifiers: ClinVar variation 3047267 (VCV003047267.3), dbSNP rs768968498, ClinGen allele CA2339831704.
Genomic context (GRCh38, chr19:48,303,791, plus strand): 5'-AAAGCACCAGCCTCTCCTGGGAGGTCTTCCAGACGCCCTCGGCCACCTCCCCGGCTAGGG[G>A]AAGAGAGAACAGCAGGTCGGCCTCCTGGGTGGCCTCCAACACAGAGACCTCCTGGGTGAG-3'

ClinVar aggregate classification (germline): Likely benign. Review status: criteria provided, single submitter (1 of 4 stars). 2 submissions from 2 submitters: Likely benign (1). 1 of the submissions does not count toward it. Last evaluated 2025-07-02.

Conditions:
ODAD1-related disorder. Also called: ODAD1-related condition.
Primary ciliary dyskinesia. Also called: Ciliary dyskinesia. Identifiers: Orphanet 244, MedGen C0008780, MONDO:0016575, HP:0012265.

gnomAD v4.1: 1 of 1,604,208 alleles (0.000062%); highest among the groups gnomAD compares: Non-Finnish European, 0.000085%; no homozygotes.

Submissions (2):

Labcorp Genetics (formerly Invitae), Labcorp
Classification: Likely benign for Primary ciliary dyskinesia. Last evaluated: 2025-07-02. Review status: criteria provided, single submitter. Criteria: Invitae Variant Classification Sherloc (09022015). Collection method: clinical testing. Allele origin: germline.

PreventionGenetics, part of Exact Sciences
Classification: Likely benign for ODAD1-related condition. Last evaluated: 2023-03-14. Review status: no assertion criteria provided. Collection method: clinical testing. Allele origin: germline. Not counted in ClinVar's aggregate classification.
Comment: This variant is classified as likely benign based on ACMG/AMP sequence variant interpretation guidelines (Richards et al. 2015 PMID: 25741868, with internal and published modifications).